The following is an entry in ClinVar:

NM_020066.5(FMN2):c.2952G>A (p.Ala984=)

Gene: FMN2 (formin 2; plus strand). Cytogenetic location: 1q43.
Variant type: single nucleotide variant.
Coding change: c.2952G>A on transcript NM_020066.5 (MANE Select); coding-DNA position 2952, G replaced by A.
Protein change: p.Ala984=; no amino-acid change (alanine 984 retained).
Molecular consequence: synonymous variant. On other transcripts: intron variant (1).
Genome position (GRCh38, 1-based): chr1:240,207,764, G>A. VCF-style: chr1-240207764-G-A. GRCh37 (hg19) VCF-style: chr1-240371064-G-A.
Other names: c.2964G>A, p.Ala988= (NM_001305424.2); c.1986+19502G>A (NM_001348094.2).
Identifiers: ClinVar variation 2640145 (VCV002640145.25), dbSNP rs537036439, ClinGen allele CA1476918.

ClinVar aggregate classification (germline): Likely benign. Review status: criteria provided, multiple submitters, no conflicts (2 of 4 stars). 2 submissions from 2 submitters: Likely benign (2). Last evaluated 2026-09-01.

Allele frequency attached by ClinVar (database versions not stated): ExAC 0.00154; 1000 Genomes Project 0.00300.

Submissions (2):

CeGaT Center for Human Genetics Tuebingen
Classification: Likely benign. Last evaluated: 2026-09-01. Review status: criteria provided, single submitter. Criteria: CeGaT Center For Human Genetics Tuebingen Variant Classification Criteria Version 2. Collection method: clinical testing. Allele origin: germline. Affected: yes. Observed: 17 variant alleles.
Comment: FMN2: BP4, BP7

Blueprint Genetics
Classification: Likely benign. Last evaluated: 2024-09-23. Review status: criteria provided, single submitter. Criteria: ACMG Guidelines, 2015. Collection method: clinical testing. Allele origin: germline.